The following is an entry in ClinVar:

ClinVar aggregate classification (germline): Pathogenic (1 of 4 stars; one submission).

Submission:

Labcorp Genetics (formerly Invitae), Labcorp
Classification: Pathogenic. Last evaluated: 2025-05-05. Review status: criteria provided, single submitter. Criteria: Invitae Variant Classification Sherloc (09022015). Collection method: clinical testing. Allele origin: germline.
Comment: This sequence change inserts a large fragment of DNA, likely a transposable element, in exon 38 of the DMXL2 gene (c.8445_8446ins?), causing a frameshift at codon 2816 (p.Asn2816fs). The exact size and sequence of the insertion cannot be determined by the current assay. However, the insertion is expected to result in an absent or disrupted protein product. This variant is not present in population databases (gnomAD no frequency). This variant has not been reported in the literature in individuals affected with DMXL2-related conditions. Retrotransposon insertions including LINE1 (L1), Alu, and SVA (SINE-VNTR-Alu) have been reported to be disease-causing through disruption of either a coding region or splice site (PMID: 19763152, 20307669, 22406018) and loss-of-function variants in DMXL2 are known to be pathogenic (PMID: 30237576, 31688942). For these reasons, this variant has been classified as Pathogenic.

Literature cited by the submitters: PubMed 19763152; PubMed 20307669; PubMed 22406018; PubMed 30237576; PubMed 31688942.

NM_001378457.1(DMXL2):c.8508_8509insTTTTTTTTTTTTTTTTTTTTNNNNNNNNNNATATGAACTCATCATTTTTTATGGCTGCATAGTATTCTCAAAAGAAGACATTTATGCAGCCAAAAAACACATGAAGAAATGCTCATCATCACTAGATTATATTTT (p.Asn2837delinsPhePhePhePhePhePheXaaXaaXaaXaaIleTer)

Gene: DMXL2 (Dmx like 2; minus strand). Cytogenetic location: 15q21.2.
Variant type: Microsatellite.
Coding change: c.8508_8509insTTTTTTTTTTTTTTTTTTTTNNNNNNNNNNATATGAACTCATCATTTTTTATGGCTGCATAGTATTCTCAAAAGAAGACATTTATGCAGCCAAAAAACACATGAAGAAATGCTCATCATCACTAGATTATATTTT on transcript NM_001378457.1 (MANE Select); coding-DNA positions 8508 to 8509, TTTTTTTTTTTTTTTTTTTTNNNNNNNNNNATATGAACTCATCATTTTTTATGGCTGCATAGTATTCTCAAAAGAAGACATTTATGCAGCCAAAAAACACATGAAGAAATGCTCATCATCACTAGATTATATTTT inserted.
Protein change: p.Asn2837delinsPhePhePhePhePhePheXaaXaaXaaXaaIleTer.
Molecular consequence: nonsense. On other transcripts: non-coding transcript variant (2).
Genome position: GRCh38: chr15:51,456,084-51,456,098. GRCh37 (hg19), VCF-style position (the base before the change): chr15:51,748,280.
Other names: c.8445_8446insTTTTTTTTTTTTTTTTTTTTNNNNNNNNNNATATGAACTCATCATTTTTTATGGCTGCATAGTATTCTCAAAAGAAGACATTTATGCAGCCAAAAAACACATGAAGAAATGCTCATCATCACTAGATTATATTTT, p.Asn2816delinsPhePhePhePhePhePheXaaXaaXaaXaaIleTer (NM_001174116.3); c.6534_6535insTTTTTTTTTTTTTTTTTTTTNNNNNNNNNNATATGAACTCATCATTTTTTATGGCTGCATAGTATTCTCAAAAGAAGACATTTATGCAGCCAAAAAACACATGAAGAAATGCTCATCATCACTAGATTATATTTT, p.Asn2179delinsPhePhePhePhePhePheXaaXaaXaaXaaIleTer (NM_001174117.3); c.8505_8506insTTTTTTTTTTTTTTTTTTTTNNNNNNNNNNATATGAACTCATCATTTTTTATGGCTGCATAGTATTCTCAAAAGAAGACATTTATGCAGCCAAAAAACACATGAAGAAATGCTCATCATCACTAGATTATATTTT, p.Asn2836delinsPhePhePhePhePhePheXaaXaaXaaXaaIleTer (NM_001378458.1); c.8220_8221insTTTTTTTTTTTTTTTTTTTTNNNNNNNNNNATATGAACTCATCATTTTTTATGGCTGCATAGTATTCTCAAAAGAAGACATTTATGCAGCCAAAAAACACATGAAGAAATGCTCATCATCACTAGATTATATTTT, p.Asn2741delinsPhePhePhePhePhePheXaaXaaXaaXaaIleTer (NM_001378459.1); c.6423_6424insTTTTTTTTTTTTTTTTTTTTNNNNNNNNNNATATGAACTCATCATTTTTTATGGCTGCATAGTATTCTCAAAAGAAGACATTTATGCAGCCAAAAAACACATGAAGAAATGCTCATCATCACTAGATTATATTTT, p.Asn2142delinsPhePhePhePhePhePheXaaXaaXaaXaaIleTer (NM_001378460.1); c.8442_8443insTTTTTTTTTTTTTTTTTTTTNNNNNNNNNNATATGAACTCATCATTTTTTATGGCTGCATAGTATTCTCAAAAGAAGACATTTATGCAGCCAAAAAACACATGAAGAAATGCTCATCATCACTAGATTATATTTT, p.Asn2815delinsPhePhePhePhePhePheXaaXaaXaaXaaIleTer (NM_015263.5).
Identifiers: ClinVar variation 4712536 (VCV004712536.1).